The following is an entry in ClinVar:

ClinVar aggregate classification (germline): Uncertain significance (1 of 4 stars; one submission).

Conditions:
Cardiovascular phenotype. Identifiers: MedGen CN230736.

gnomAD v4.1: 7 of 1,613,614 alleles (0.00043%); highest among the groups gnomAD compares: Admixed American, 0.012%; no homozygotes.

Submission:

Ambry Genetics
Classification: Uncertain significance for Cardiovascular phenotype. Last evaluated: 2026-07-04. Review status: criteria provided, single submitter. Criteria: Ambry Variant Classification Scheme 2023. Collection method: clinical testing. Allele origin: germline.
Comment: The p.H548Q variant (also known as c.1644C>G), located in coding exon 13 of the CACNB2 gene, results from a C to G substitution at nucleotide position 1644. The histidine at codon 548 is replaced by glutamine, an amino acid with highly similar properties. This amino acid position is conserved. In addition, this alteration is predicted to be tolerated by in silico analysis. Based on the available evidence, the clinical significance of this variant remains unclear.

NM_201596.3(CACNB2):c.1806C>G (p.His602Gln)

Gene: CACNB2 (calcium voltage-gated channel auxiliary subunit beta 2; plus strand). Cytogenetic location: 10p12.31.
Variant type: single nucleotide variant.
Coding change: c.1806C>G on transcript NM_201596.3 (MANE Select); coding-DNA position 1806, C replaced by G.
Protein change: p.His602Gln; replaces histidine 602 with glutamine.
Molecular consequence: missense variant.
Genome position (GRCh38, 1-based): chr10:18,539,547, C>G. VCF-style: chr10-18539547-C-G. GRCh37 (hg19) VCF-style: chr10-18828476-C-G.
Other names: c.1644C>G, p.His548Gln (NM_201590.3); c.1692C>G, p.His564Gln (NM_201593.3); c.1734C>G, p.His578Gln (NM_201597.3); c.1641C>G, p.His547Gln (NM_000724.4); c.1608C>G, p.His536Gln (NM_001167945.2); c.1527C>G, p.His509Gln (NM_001330060.2); c.1548C>G, p.His516Gln (NM_001410882.1); c.1662C>G, p.His554Gln (NM_201570.3); and 2 more; short protein forms H509Q, H516Q, H547Q, H550Q, H536Q, H548Q, H554Q, H564Q.
Identifiers: ClinVar variation 5033651 (VCV005033651.1).